The following is an entry in ClinVar:

ClinVar aggregate classification (germline): Pathogenic (1 of 4 stars; one submission).

Conditions:
Neurodevelopmental disorder. Identifiers: MedGen C1535926, MeSH D065886, MONDO:0700092.

Submission:

Laboratory of Molecular Genetics (Pr. Bezieau's lab), CHU de Nantes
Classification: Pathogenic for Neurodevelopmental disorder. Last evaluated: 2026-05-27. Review status: criteria provided, single submitter. Criteria: ACMG Guidelines, 2015. Collection method: clinical testing. Allele origin: de novo. Inheritance: Autosomal dominant inheritance. Affected: yes. Observed: 1 variant allele, 1 heterozygote.
Comment: Evidence for loss of function/haploinsufficiency being pathogenic in PMID: 41415500. ACMG criteria: PVS1, PS2, PM2. Protein change: p.(Gln172*).

Literature cited by the submitters: PubMed 41415500.

NM_006196.4(PCBP1):c.514C>T (p.Gln172Ter)

Gene: PCBP1 (poly(rC) binding protein 1; plus strand). Cytogenetic location: 2p13.3.
Variant type: single nucleotide variant.
Coding change: c.514C>T on transcript NM_006196.4 (MANE Select); coding-DNA position 514, C replaced by T.
Protein change: p.Gln172Ter; replaces glutamine 172 with a stop codon.
Molecular consequence: nonsense.
Genome position (GRCh38, 1-based): chr2:70,088,257, C>T. VCF-style: chr2-70088257-C-T. GRCh37 (hg19) VCF-style: chr2-70315389-C-T.
Other names: short protein forms Q172*.
Identifiers: ClinVar variation 4852573 (VCV004852573.1).
Genomic context (GRCh38, chr2:70,088,257, plus strand): 5'-CCGCAGTCTGTCACCGAGTGTGTCAAGCAGATTTGCCTGGTCATGCTGGAGACGCTCTCC[C>T]AGTCTCCGCAAGGGAGAGTCATGACCATTCCGTACCAGCCCATGCCGGCCAGCTCCCCAG-3'